The following is an entry in ClinVar:

NM_000747.3(CHRNB1):c.1102_1103del (p.Asp368fs)

Gene: CHRNB1 (cholinergic receptor nicotinic beta 1 subunit; plus strand). Cytogenetic location: 17p13.1.
Variant type: Microsatellite.
Coding change: c.1102_1103del on transcript NM_000747.3 (MANE Select); coding-DNA positions 1102 to 1103, 2 bases deleted (GA; older notation c.1102_1103delGA).
Protein change: p.Asp368fs; shifts the reading frame from aspartic acid 368.
Molecular consequence: frameshift variant.
Genome position (GRCh38, 1-based): chr17:7,455,341-7,455,342, GA deleted; deleting any 2 consecutive bases within chr17:7,455,335-7,455,342 gives the same sequence; the c. name uses the placement nearest the transcript's 3' end. VCF-style (leftmost placement, unchanged base first): chr17-7455334-CGA-C. GRCh37 (hg19) VCF-style: chr17-7358653-CGA-C.
Other names: short protein forms D368fs.
Identifiers: ClinVar variation 2118016 (VCV002118016.4), dbSNP rs2507872174, ClinGen allele CA2580613973.
Genomic context (GRCh38, chr17:7,455,334, plus strand): 5'-TACTCTGCAGATCTTCATTCACAAACTTCCGCTGTACCTGCGTCTAAAAAGGCCCAAACC[CGA>C]GAGAGACCTGATGCCGGAGCCCCCTCACTGTTCTTCTCCAGGAAGTGGCTGGGGTCGGGG-3'

ClinVar aggregate classification (germline): Pathogenic (1 of 4 stars; one submission).

Conditions:
Congenital myasthenic syndrome 2A. Also called: Myasthenic syndrome, congenital, 2a, slow-channel. Identifiers: Orphanet 590, MedGen C4225374, MONDO:0014581, OMIM 616313.

Submission:

Labcorp Genetics (formerly Invitae), Labcorp
Classification: Pathogenic for Congenital myasthenic syndrome 2A. Last evaluated: 2022-06-24. Review status: criteria provided, single submitter. Criteria: Invitae Variant Classification Sherloc (09022015). Collection method: clinical testing. Allele origin: germline.
Comment: For these reasons, this variant has been classified as Pathogenic. This sequence change creates a premature translational stop signal (p.Asp368Profs*21) in the CHRNB1 gene. It is expected to result in an absent or disrupted protein product. Loss-of-function variants in CHRNB1 are known to be pathogenic (PMID: 10562302). This variant is not present in population databases (gnomAD no frequency). This variant has not been reported in the literature in individuals affected with CHRNB1-related conditions.

Literature cited by the submitters: PubMed 10562302.